The following is an entry in ClinVar:

ClinVar aggregate classification (germline): Uncertain significance. Review status: criteria provided, multiple submitters, no conflicts (2 of 4 stars). 4 submissions from 4 submitters: Uncertain significance (4). Last evaluated 2026-03-31.

Conditions:
UCP3-related disorder. Also called: UCP3-related condition.

Allele frequency attached by ClinVar (database versions not stated): ESP Exome Variant Server 0.00015; gnomAD exomes 0.00027.

Submissions (4):

PreventionGenetics, part of Exact Sciences
Classification: Uncertain significance for UCP3-related condition. Last evaluated: 2026-03-31. Review status: criteria provided, single submitter. Criteria: ACMG Guidelines, 2015. Collection method: clinical testing. Allele origin: germline.
Comment: The UCP3 c.883G>A variant is predicted to result in the amino acid substitution p.Glu295Lys. To our knowledge, this variant has not been reported in the literature. This variant is reported in 0.045% of alleles in individuals of European (Non-Finnish) descent in gnomAD. Although we suspect that this variant may be benign, at this time, the clinical significance of this variant is uncertain due to the absence of conclusive functional and genetic evidence.

Labcorp Genetics (formerly Invitae), Labcorp
Classification: Uncertain significance. Last evaluated: 2026-01-02. Review status: criteria provided, single submitter. Criteria: Invitae Variant Classification Sherloc (09022015). Collection method: clinical testing. Allele origin: germline.
Comment: This sequence change replaces glutamic acid, which is acidic and polar, with lysine, which is basic and polar, at codon 295 of the UCP3 protein (p.Glu295Lys). This variant is present in population databases (rs139405752, gnomAD 0.04%). This variant has not been reported in the literature in individuals affected with UCP3-related conditions. ClinVar contains an entry for this variant (Variation ID: 2204630). Invitae Evidence Modeling of protein sequence and biophysical properties (such as structural, functional, and spatial information, amino acid conservation, physicochemical variation, residue mobility, and thermodynamic stability) indicates that this missense variant is expected to disrupt UCP3 protein function with a positive predictive value of 80%. In summary, the available evidence is currently insufficient to determine the role of this variant in disease. Therefore, it has been classified as a Variant of Uncertain Significance.

Blueprint Genetics
Classification: Uncertain significance. Last evaluated: 2023-09-28. Review status: criteria provided, single submitter. Criteria: ACMG Guidelines, 2015. Collection method: clinical testing. Allele origin: germline.

Ambry Genetics
Classification: Uncertain significance. Last evaluated: 2021-08-10. Review status: criteria provided, single submitter. Criteria: Ambry Variant Classification Scheme 2023. Collection method: clinical testing. Allele origin: germline.

NM_003356.4(UCP3):c.883G>A (p.Glu295Lys)

Gene: UCP3 (uncoupling protein 3; minus strand). Cytogenetic location: 11q13.4.
Variant type: single nucleotide variant.
Coding change: c.883G>A on transcript NM_003356.4 (MANE Select); coding-DNA position 883, G replaced by A.
Protein change: p.Glu295Lys; replaces glutamic acid 295 with lysine.
Molecular consequence: missense variant.
Genome position (GRCh38, 1-based): chr11:74,001,468, C>T on the plus strand (G>A on the coding strand, the complement: UCP3 is on the minus strand). VCF-style: chr11-74001468-C-T. GRCh37 (hg19) VCF-style: chr11-73712513-C-T.
Other names: short protein forms E295K.
Identifiers: ClinVar variation 2204630 (VCV002204630.8), dbSNP rs139405752, ClinGen allele CA6181317.